The following is an entry in ClinVar:

NM_152327.5(AK7):c.1556-2A>T

Gene: AK7 (adenylate kinase 7; plus strand). Cytogenetic location: 14q32.2.
Variant type: single nucleotide variant.
Coding change: c.1556-2A>T on transcript NM_152327.5 (MANE Select); the canonical splice acceptor site of the intron before coding-DNA position 1556, A replaced by T.
Molecular consequence: splice acceptor variant.
Genome position (GRCh38, 1-based): chr14:96,478,463, A>T. VCF-style: chr14-96478463-A-T. GRCh37 (hg19) VCF-style: chr14-96944800-A-T.
Other names: c.1487-2A>T (NM_001350888.2, NM_001350890.2); c.1358-2A>T (NM_001350892.2); c.1478-2A>T (NM_001350891.2).
Identifiers: ClinVar variation 1922336 (VCV001922336.5), dbSNP rs1270503442, ClinGen allele CA390922587.

ClinVar aggregate classification (germline): Uncertain significance (1 of 4 stars; one submission).

Allele frequency attached by ClinVar (database versions not stated): gnomAD 0.00001; gnomAD exomes 0.00001; TOPMed 0.00001.
gnomAD v4.1: 14 of 1,613,946 alleles (0.00087%); highest among the groups gnomAD compares: African/African-American, 0.0013%; no homozygotes.

Submission:

Labcorp Genetics (formerly Invitae), Labcorp
Classification: Uncertain significance. Last evaluated: 2023-01-06. Review status: criteria provided, single submitter. Criteria: Invitae Variant Classification Sherloc (09022015). Collection method: clinical testing. Allele origin: germline.
Comment: Algorithms developed to predict the effect of sequence changes on RNA splicing suggest that this variant may disrupt the consensus splice site. In summary, the available evidence is currently insufficient to determine the role of this variant in disease. Therefore, it has been classified as a Variant of Uncertain Significance. This variant has not been reported in the literature in individuals affected with AK7-related conditions. This variant is present in population databases (no rsID available, gnomAD 0.0009%). This sequence change affects an acceptor splice site in intron 14 of the AK7 gene. It is expected to disrupt RNA splicing. Variants that disrupt the donor or acceptor splice site typically lead to a loss of protein function (PMID: 16199547), however the current clinical and genetic evidence is not sufficient to establish whether loss-of-function variants in AK7 cause disease.

Literature cited by the submitters: PubMed 16199547.